The following is an entry in ClinVar:

ClinVar aggregate classification (germline): Uncertain significance (1 of 4 stars; one submission).

Conditions:
Arrhythmogenic right ventricular dysplasia 9 (ARVD9). Also called: Arrhythmogenic Right Ventricular Dysplasia/Cardiomyopathy 9; ARRHYTHMOGENIC RIGHT VENTRICULAR DYSPLASIA, FAMILIAL, 9. Identifiers: MedGen C1836906, MONDO:0012180, OMIM 609040.

Submission:

Labcorp Genetics (formerly Invitae), Labcorp
Classification: Uncertain significance for Arrhythmogenic right ventricular dysplasia 9. Last evaluated: 2024-08-18. Review status: criteria provided, single submitter. Criteria: Invitae Variant Classification Sherloc (09022015). Collection method: clinical testing. Allele origin: germline.
Comment: This sequence change replaces glutamine, which is neutral and polar, with arginine, which is basic and polar, at codon 457 of the PKP2 protein (p.Gln457Arg). This variant is not present in population databases (gnomAD no frequency). This variant has not been reported in the literature in individuals affected with PKP2-related conditions. An algorithm developed to predict the effect of missense changes on protein structure and function (PolyPhen-2) suggests that this variant is likely to be disruptive. In summary, the available evidence is currently insufficient to determine the role of this variant in disease. Therefore, it has been classified as a Variant of Uncertain Significance.

NM_001005242.3(PKP2):c.1370A>G (p.Gln457Arg)

Gene: PKP2 (plakophilin 2; minus strand). Cytogenetic location: 12p11.21.
Variant type: single nucleotide variant.
Coding change: c.1370A>G on transcript NM_001005242.3 (MANE Select); coding-DNA position 1370, A replaced by G.
Protein change: p.Gln457Arg; replaces glutamine 457 with arginine.
Molecular consequence: missense variant.
Genome position (GRCh38, 1-based): chr12:32,850,774, T>C on the plus strand (A>G on the coding strand, the complement: PKP2 is on the minus strand). VCF-style: chr12-32850774-T-C. GRCh37 (hg19) VCF-style: chr12-33003708-T-C.
Other names: c.1370A>G, p.Gln457Arg (NM_001407155.1, NM_001407156.1, NM_001407157.1 and 2 more transcripts); c.1043A>G, p.Gln348Arg (NM_001407158.1, NM_001407159.1, NM_001407160.1 and 1 more transcripts); short protein forms Q457R, Q348R.
Identifiers: ClinVar variation 3662750 (VCV003662750.2).